The following is an entry in ClinVar:

NM_002691.4(POLD1):c.2154+4G>A

Gene: POLD1 (DNA polymerase delta 1, catalytic subunit; plus strand). Cytogenetic location: 19q13.33.
Variant type: single nucleotide variant.
Coding change: c.2154+4G>A on transcript NM_002691.4 (MANE Select); 4 bases into the intron after coding-DNA position 2154, G replaced by A.
Molecular consequence: intron variant.
Genome position (GRCh38, 1-based): chr19:50,409,670, G>A. VCF-style: chr19-50409670-G-A. GRCh37 (hg19) VCF-style: chr19-50912927-G-A.
Other names: c.2232+4G>A (LRG_785t2, NM_001308632.1); c.2154+4G>A (LRG_785t1, NM_001256849.1).
Identifiers: ClinVar variation 239272 (VCV000239272.19), dbSNP rs373416476, ClinGen allele CA10583838.

ClinVar aggregate classification (germline): Conflicting classifications of pathogenicity. Review status: criteria provided, conflicting classifications (1 of 4 stars). 4 submissions from 4 submitters: Uncertain significance (2); Likely benign (1). 1 of the submissions does not count toward it. Last evaluated 2025-10-08.

Conditions:
Hereditary cancer-predisposing syndrome. Also called: Hereditary Cancer Syndrome; Neoplastic Syndromes, Hereditary; Hereditary neoplastic syndrome; Tumor predisposition. Identifiers: Orphanet 140162, MedGen C0027672, MeSH D009386, MONDO:0015356.
POLD1-related polyposis and colorectal cancer syndrome (CRCS10). Also called: COLORECTAL CANCER, SUSCEPTIBILITY TO, ON CHROMOSOME 19q; Colorectal cancer 10; Colorectal cancer, susceptibility to, 10. Identifiers: Orphanet 220460, MedGen C2675481, MONDO:0012953, OMIM 612591.

Allele frequency attached by ClinVar (database versions not stated): gnomAD exomes below 0.00001; gnomAD 0.00001; TOPMed 0.00001; ESP Exome Variant Server 0.00008.
gnomAD v4.1: 7 of 1,595,126 alleles (0.00044%); highest among the groups gnomAD compares: Non-Finnish European, 0.0006%; no homozygotes.

Submissions (4):

Labcorp Genetics (formerly Invitae), Labcorp
Classification: Likely benign for POLD1-related polyposis and colorectal cancer syndrome. Last evaluated: 2025-10-08. Review status: criteria provided, single submitter. Criteria: Invitae Variant Classification Sherloc (09022015). Collection method: clinical testing. Allele origin: germline.

Ambry Genetics
Classification: Uncertain significance for Hereditary cancer-predisposing syndrome. Last evaluated: 2025-07-03. Review status: criteria provided, single submitter. Criteria: Ambry Variant Classification Scheme 2023. Collection method: clinical testing. Allele origin: germline.
Comment: The c.2154+4G>A intronic variant results from a G to A substitution 4 nucleotides after coding exon 16 in the POLD1 gene. This nucleotide position is well conserved in available vertebrate species. In silico splice site analysis predicts that this alteration will not have any significant effect on splicing. Based on the available evidence, the clinical significance of this variant remains unclear.

Quest Diagnostics Nichols Institute San Juan Capistrano
Classification: Uncertain significance. Last evaluated: 2018-08-12. Review status: criteria provided, single submitter. Criteria: Quest Diagnostics criteria. Collection method: clinical testing. Allele origin: germline.

Counsyl
Classification: Uncertain significance for POLD1-related polyposis and colorectal cancer syndrome. Last evaluated: 2018-04-26. Review status: no assertion criteria provided. Collection method: clinical testing. Allele origin: unknown. Not counted in ClinVar's aggregate classification.